The following is an entry in ClinVar:

ClinVar aggregate classification (germline): Uncertain significance (1 of 4 stars; one submission).

Submission:

Labcorp Genetics (formerly Invitae), Labcorp
Classification: Uncertain significance. Last evaluated: 2025-02-06. Review status: criteria provided, single submitter. Criteria: Invitae Variant Classification Sherloc (09022015). Collection method: clinical testing. Allele origin: germline.
Comment: This sequence change replaces aspartic acid, which is acidic and polar, with asparagine, which is neutral and polar, at codon 528 of the ACO2 protein (p.Asp528Asn). This variant is not present in population databases (gnomAD no frequency). This variant has not been reported in the literature in individuals affected with ACO2-related conditions. Invitae Evidence Modeling of protein sequence and biophysical properties (such as structural, functional, and spatial information, amino acid conservation, physicochemical variation, residue mobility, and thermodynamic stability) indicates that this missense variant is not expected to disrupt ACO2 protein function with a negative predictive value of 80%. In summary, the available evidence is currently insufficient to determine the role of this variant in disease. Therefore, it has been classified as a Variant of Uncertain Significance.

NM_001098.3(ACO2):c.1582G>A (p.Asp528Asn)

Gene: ACO2 (aconitase 2; plus strand). Cytogenetic location: 22q13.2.
Variant type: single nucleotide variant.
Coding change: c.1582G>A on transcript NM_001098.3 (MANE Select); coding-DNA position 1582, G replaced by A.
Protein change: p.Asp528Asn; replaces aspartic acid 528 with asparagine.
Molecular consequence: missense variant.
Genome position (GRCh38, 1-based): chr22:41,524,945, G>A. VCF-style: chr22-41524945-G-A. GRCh37 (hg19) VCF-style: chr22-41920949-G-A.
Other names: short protein forms D528N.
Identifiers: ClinVar variation 3671902 (VCV003671902.2).